The following is an entry in ClinVar:

NM_015937.6(PIGT):c.494-5C>T

Gene: PIGT (phosphatidylinositol glycan anchor biosynthesis class T; plus strand). Cytogenetic location: 20q13.12.
Variant type: single nucleotide variant.
Coding change: c.494-5C>T on transcript NM_015937.6 (MANE Select); 5 bases into the intron before coding-DNA position 494, C replaced by T.
Molecular consequence: intron variant.
Genome position (GRCh38, 1-based): chr20:45,419,290, C>T. VCF-style: chr20-45419290-C-T. GRCh37 (hg19) VCF-style: chr20-44047930-C-T.
Other names: c.494-5C>T (NM_001184729.3, NM_015937.4); c.326-5C>T (NM_001184728.3); c.188-5C>T (NM_001184730.3).
Identifiers: ClinVar variation 541407 (VCV000541407.40), dbSNP rs201944222, ClinGen allele CA9877914.

ClinVar aggregate classification (germline): Conflicting classifications of pathogenicity. Review status: criteria provided, conflicting classifications (1 of 4 stars). 4 submissions from 4 submitters: Uncertain significance (1); Likely benign (3). Last evaluated 2024-11-25.

Conditions:
Inborn genetic diseases. Identifiers: MedGen C0950123, MeSH D030342.
Multiple congenital anomalies-hypotonia-seizures syndrome 3 (MCAHS3). Also called: GLYCOSYLPHOSPHATIDYLINOSITOL BIOSYNTHESIS DEFECT 7. Identifiers: Orphanet 369837, MedGen C3809356, MONDO:0014165, OMIM 615398.

Allele frequency attached by ClinVar (database versions not stated): TOPMed 0.00006; ExAC 0.00007; gnomAD 0.00010 and 0.00011; gnomAD exomes 0.00010 and 0.00018.
gnomAD v4.1: 300 of 1,612,494 alleles (0.019%); highest among the groups gnomAD compares: Non-Finnish European, 0.023%; no homozygotes.

Submissions (4):

Labcorp Genetics (formerly Invitae), Labcorp
Classification: Likely benign for Multiple congenital anomalies-hypotonia-seizures syndrome 3. Last evaluated: 2024-11-25. Review status: criteria provided, single submitter. Criteria: Invitae Variant Classification Sherloc (09022015). Collection method: clinical testing. Allele origin: germline.

Blueprint Genetics
Classification: Likely benign. Last evaluated: 2024-09-30. Review status: criteria provided, single submitter. Criteria: ACMG Guidelines, 2015. Collection method: clinical testing. Allele origin: germline.

Ambry Genetics
Classification: Uncertain significance for Inborn genetic diseases. Last evaluated: 2024-09-27. Review status: criteria provided, single submitter. Criteria: Ambry Variant Classification Scheme 2023. Collection method: clinical testing. Allele origin: germline.
Comment: The c.494-5C>T intronic alteration consists of a C to T substitution 5 nucleotides before coding exon 4 in the PIGT gene. Based on insufficient or conflicting evidence, the clinical significance of this alteration remains unclear.

CeGaT Center for Human Genetics Tuebingen
Classification: Likely benign. Last evaluated: 2023-11-01. Review status: criteria provided, single submitter. Criteria: CeGaT Center For Human Genetics Tuebingen Variant Classification Criteria Version 2. Collection method: clinical testing. Allele origin: germline. Affected: yes. Observed: 2 variant alleles.
Comment: PIGT: BP4